The following is an entry in ClinVar:

NM_000091.5(COL4A3):c.933+1G>A

Genes: COL4A3 (collagen type IV alpha 3 chain; plus strand), MFF-DT (MFF divergent transcript; minus strand). Cytogenetic location: 2q36.3.
Variant type: single nucleotide variant.
Coding change: c.933+1G>A on transcript NM_000091.5 (MANE Select); the canonical splice donor site of the intron after coding-DNA position 933, G replaced by A.
Molecular consequence: splice donor variant.
Genome position (GRCh38, 1-based): chr2:227,256,071, G>A. VCF-style: chr2-227256071-G-A. GRCh37 (hg19) VCF-style: chr2-228120787-G-A.
Identifiers: ClinVar variation 2151963 (VCV002151963.4), dbSNP rs932207890, ClinGen allele CA66625944.

ClinVar aggregate classification (germline): Pathogenic (1 of 4 stars; one submission).

Allele frequency attached by ClinVar (database versions not stated): gnomAD 0.00001; TOPMed 0.00001.
gnomAD v4.1: 2 of 1,613,740 alleles (0.00012%); highest among the groups gnomAD compares: African/African-American, 0.0027%; no homozygotes.

Submission:

Labcorp Genetics (formerly Invitae), Labcorp
Classification: Pathogenic. Last evaluated: 2022-02-04. Review status: criteria provided, single submitter. Criteria: Invitae Variant Classification Sherloc (09022015). Collection method: clinical testing. Allele origin: germline.
Comment: For these reasons, this variant has been classified as Pathogenic. This variant disrupts a region of the COL4A3 protein in which other variant(s) (p.Gly300Arg) have been determined to be pathogenic (PMID: 25575550, 26809805; Invitae). This suggests that this is a clinically significant region of the protein, and that variants that disrupt it are likely to be disease-causing. Studies have shown that this variant is associated with altered splicing, but the impact on the resulting protein product is unknown (PMID: 28856578). Disruption of this splice site has been observed in individuals with Alport syndrome (PMID: 28856578; Invitae). This variant is not present in population databases (gnomAD no frequency). This sequence change affects a donor splice site in intron 16 of the COL4A3 gene. It is expected to disrupt RNA splicing. Variants that disrupt the donor or acceptor splice site typically lead to a loss of protein function (PMID: 16199547), and loss-of-function variants in COL4A3 are known to be pathogenic (PMID: 8956999, 24854265, 26809805, 27281700).

Literature cited by the submitters: PubMed 25575550; PubMed 26809805; PubMed 28856578; PubMed 16199547; PubMed 8956999; PubMed 24854265; PubMed 27281700.